The following is an entry in ClinVar:

NM_024422.6(DSC2):c.2250+3A>G

Gene: DSC2 (desmocollin 2; minus strand). Cytogenetic location: 18q12.1.
Variant type: single nucleotide variant.
Coding change: c.2250+3A>G on transcript NM_024422.6 (MANE Select); 3 bases into the intron after coding-DNA position 2250, A replaced by G.
Molecular consequence: intron variant.
Genome position (GRCh38, 1-based): chr18:31,070,723, T>C on the plus strand (A>G on the coding strand, the complement: DSC2 is on the minus strand). VCF-style: chr18-31070723-T-C. GRCh37 (hg19) VCF-style: chr18-28650689-T-C.
Other names: c.2250+3A>G (NM_004949.5).
Identifiers: ClinVar variation 468378 (VCV000468378.8), dbSNP rs1555637433, ClinGen allele CA658658732.

ClinVar aggregate classification (germline): Conflicting classifications of pathogenicity. Review status: criteria provided, conflicting classifications (1 of 4 stars). 2 submissions from 2 submitters: Uncertain significance (1); Likely benign (1). Last evaluated 2025-08-03.

Conditions:
Arrhythmogenic right ventricular dysplasia 11. Also called: Arrhythmogenic Right Ventricular Dysplasia/Cardiomyopathy11; ARRHYTHMOGENIC RIGHT VENTRICULAR DYSPLASIA, FAMILIAL, 11; Arrhythmogenic right ventricular dysplasia 11 with mild palmoplantar keratoderma and woolly hair. Identifiers: MedGen C1864850, MONDO:0012506, OMIM 610476.

gnomAD v4.1: 1 of 1,613,748 alleles (0.000062%); highest among the groups gnomAD compares: Non-Finnish European, 0.000085%; no homozygotes.

Submissions (2):

Labcorp Genetics (formerly Invitae), Labcorp
Classification: Uncertain significance for Arrhythmogenic right ventricular dysplasia 11. Last evaluated: 2025-08-03. Review status: criteria provided, single submitter. Criteria: Invitae Variant Classification Sherloc (09022015). Collection method: clinical testing. Allele origin: germline.
Comment: This sequence change falls in intron 14 of the DSC2 gene. It does not directly change the encoded amino acid sequence of the DSC2 protein. It affects a nucleotide within the consensus splice site. This variant is not present in population databases (gnomAD no frequency). This variant has not been reported in the literature in individuals affected with DSC2-related conditions. ClinVar contains an entry for this variant (Variation ID: 468378). Variants that disrupt the consensus splice site are a relatively common cause of aberrant splicing (PMID: 17576681, 9536098). Algorithms developed to predict the effect of sequence changes on RNA splicing suggest that this variant is not likely to affect RNA splicing. In summary, the available evidence is currently insufficient to determine the role of this variant in disease. Therefore, it has been classified as a Variant of Uncertain Significance.

GeneDx
Classification: Likely benign. Last evaluated: 2017-05-12. Review status: criteria provided, single submitter. Criteria: GeneDx Variant Classification (06012015). Collection method: clinical testing. Allele origin: germline. Affected: yes.
Comment: This variant is considered likely benign or benign based on one or more of the following criteria: it is a conservative change, it occurs at a poorly conserved position in the protein, it is predicted to be benign by multiple in silico algorithms, and/or has population frequency not consistent with disease.

Literature cited by the submitters: PubMed 17576681 (cited by Labcorp Genetics (formerly Invitae), Labcorp); PubMed 9536098 (cited by Labcorp Genetics (formerly Invitae), Labcorp).